The following is an entry in ClinVar:

ClinVar aggregate classification (germline): Uncertain significance (1 of 4 stars; one submission).

Submission:

GeneDx
Classification: Uncertain significance. Last evaluated: 2025-02-18. Review status: criteria provided, single submitter. Criteria: GeneDx Variant Classification Process June 2021. Collection method: clinical testing. Allele origin: germline. Affected: yes.
Comment: Not observed at significant frequency in large population cohorts (gnomAD); In silico analysis supports that this missense variant has a deleterious effect on protein structure/function; Has not been previously published as pathogenic or benign to our knowledge

NM_001111125.3(IQSEC2):c.1222G>A (p.Gly408Ser)

Gene: IQSEC2 (IQ motif and Sec7 domain ArfGEF 2; minus strand). Cytogenetic location: Xp11.22.
Variant type: single nucleotide variant.
Coding change: c.1222G>A on transcript NM_001111125.3 (MANE Select); coding-DNA position 1222, G replaced by A.
Protein change: p.Gly408Ser; replaces glycine 408 with serine.
Molecular consequence: missense variant.
Genome position (GRCh38, 1-based): chrX:53,254,709, C>T on the plus strand (G>A on the coding strand, the complement: IQSEC2 is on the minus strand). VCF-style: chrX-53254709-C-T. GRCh37 (hg19) VCF-style: chrX-53283891-C-T.
Other names: c.1222G>A, p.Gly408Ser (NM_001410736.1, NM_001441092.1); c.724G>A, p.Gly242Ser (NM_001441093.1); c.511G>A, p.Gly171Ser (NM_001441094.1, NM_001441095.1); c.607G>A, p.Gly203Ser (NM_015075.2); short protein forms G171S, G203S, G242S, G408S.
Identifiers: ClinVar variation 4075727 (VCV004075727.1).